The following is an entry in ClinVar:

ClinVar aggregate classification (germline): Pathogenic (1 of 4 stars; one submission).

Conditions:
Microcephaly, normal intelligence and immunodeficiency (NBS). Also called: Immunodeficiency, microcephaly with normal intelligence; Ataxia telangiectasia variant V1; IMMUNODEFICIENCY, MICROCEPHALY, AND CHROMOSOMAL INSTABILITY; BERLIN BREAKAGE SYNDROME; SEEMANOVA SYNDROME II; Nijmegen breakage syndrome. Identifiers: Orphanet 647, MedGen C0398791, MONDO:0009623, OMIM 251260.

Allele frequency attached by ClinVar (database versions not stated): gnomAD exomes below 0.00001; TOPMed 0.00001; ExAC 0.00002.

Submission:

Labcorp Genetics (formerly Invitae), Labcorp
Classification: Pathogenic for Microcephaly, normal intelligence and immunodeficiency. Last evaluated: 2023-06-27. Review status: criteria provided, single submitter. Criteria: Invitae Variant Classification Sherloc (09022015). Collection method: clinical testing. Allele origin: germline.
Comment: This sequence change creates a premature translational stop signal (p.Ile166Cysfs*8) in the NBN gene. It is expected to result in an absent or disrupted protein product. Loss-of-function variants in NBN are known to be pathogenic (PMID: 9590180, 16415040). This variant is present in population databases (rs758830069, gnomAD 0.002%). This variant has not been reported in the literature in individuals affected with NBN-related conditions. ClinVar contains an entry for this variant (Variation ID: 530724). For these reasons, this variant has been classified as Pathogenic.

Literature cited by the submitters: PubMed 9590180; PubMed 16415040.

NM_002485.5(NBN):c.496_512del (p.Ile166fs)

Gene: NBN (nibrin; minus strand). Cytogenetic location: 8q21.3.
Variant type: Deletion.
Coding change: c.496_512del on transcript NM_002485.5 (MANE Select); coding-DNA positions 496 to 512, 17 bases deleted (ATTTGTGGACGTCCAAT).
Protein change: p.Ile166fs; shifts the reading frame from isoleucine 166.
Molecular consequence: frameshift variant.
Genome position (GRCh38, 1-based): chr8:89,978,292-89,978,308, ATTGGACGTCCACAAAT deleted on the plus strand (ATTTGTGGACGTCCAAT on the coding strand, the reverse complement: NBN is on the minus strand). VCF-style (leftmost placement, unchanged base first): chr8-89978291-AATTGGACGTCCACAAAT-A. GRCh37 (hg19) VCF-style: chr8-90990519-AATTGGACGTCCACAAAT-A.
Other names: c.496_512delATTTGTGGACGTCCAAT (NM_002485.4); c.250_266del, p.Ile84fs (NM_001024688.3); short protein forms I166fs, I84fs.
Identifiers: ClinVar variation 530724 (VCV000530724.9), dbSNP rs758830069, ClinGen allele CA4802947.